The following is an entry in ClinVar:

ClinVar aggregate classification (germline): Uncertain significance. Review status: criteria provided, multiple submitters, no conflicts (2 of 4 stars). 2 submissions from 2 submitters: Uncertain significance (2). Last evaluated 2025-09-22.

Conditions:
Cardiovascular phenotype. Identifiers: MedGen CN230736.
Long QT syndrome (LQTS). Identifiers: MedGen C0023976, MeSH D008133, MONDO:0002442. Disease mechanism: loss of function. Inheritance: Various modes of inheritance.

Allele frequency attached by ClinVar (database versions not stated): gnomAD exomes below 0.00001; ExAC 0.00001.
gnomAD v4.1: 1 of 1,614,058 alleles (0.000062%); highest among the groups gnomAD compares: Admixed American, 0.0017%; no homozygotes.

Submissions (2):

Labcorp Genetics (formerly Invitae), Labcorp
Classification: Uncertain significance for Long QT syndrome. Last evaluated: 2025-09-22. Review status: criteria provided, single submitter. Criteria: Invitae Variant Classification Sherloc (09022015). Collection method: clinical testing. Allele origin: germline.
Comment: This sequence change replaces proline, which is neutral and non-polar, with serine, which is neutral and polar, at codon 3296 of the ANK2 protein (p.Pro3296Ser). This variant is present in population databases (rs771113677, gnomAD 0.003%). This variant has not been reported in the literature in individuals affected with ANK2-related conditions. ClinVar contains an entry for this variant (Variation ID: 406468). An algorithm developed to predict the effect of missense changes on protein structure and function (PolyPhen-2) suggests that this variant is likely to be tolerated. In summary, the available evidence is currently insufficient to determine the role of this variant in disease. Therefore, it has been classified as a Variant of Uncertain Significance.

Ambry Genetics
Classification: Uncertain significance for Cardiovascular phenotype. Last evaluated: 2023-10-02. Review status: criteria provided, single submitter. Criteria: Ambry Variant Classification Scheme 2023. Collection method: clinical testing. Allele origin: germline.
Comment: The p.P3296S variant (also known as c.9886C>T), located in coding exon 38 of the ANK2 gene, results from a C to T substitution at nucleotide position 9886. The proline at codon 3296 is replaced by serine, an amino acid with similar properties. This amino acid position is conserved. In addition, this alteration is predicted to be deleterious by in silico analysis. Since supporting evidence is limited at this time, the clinical significance of this alteration remains unclear.

NM_001148.6(ANK2):c.9886C>T (p.Pro3296Ser)

Gene: ANK2 (ankyrin 2; plus strand). Cytogenetic location: 4q26.
Variant type: single nucleotide variant.
Coding change: c.9886C>T on transcript NM_001148.6 (MANE Select); coding-DNA position 9886, C replaced by T.
Protein change: p.Pro3296Ser; replaces proline 3296 with serine.
Molecular consequence: missense variant. On other transcripts: intron variant (68).
Genome position (GRCh38, 1-based): chr4:113,358,504, C>T. VCF-style: chr4-113358504-C-T. GRCh37 (hg19) VCF-style: chr4-114279660-C-T.
Other names: c.9652C>T, p.Pro3218Ser (NM_001386142.1); c.6286C>T, p.Pro2096Ser (NM_001386166.1); c.10027C>T, p.Pro3343Ser (NM_001386174.1); c.10003C>T, p.Pro3335Ser (NM_001386175.1); c.4412-2319C>T (NM_001386186.2, NM_001386148.2); c.4214-2319C>T (NM_001354269.3); c.4292-2319C>T (NM_001386187.2); c.4253-2319C>T (NM_001386147.1); and 35 more; short protein forms P3296S, P2096S, P3218S, P3335S, P3343S.
Identifiers: ClinVar variation 406468 (VCV000406468.6), dbSNP rs771113677, ClinGen allele CA3051999.